The following is an entry in ClinVar:

ClinVar aggregate classification (germline): Uncertain significance. Review status: criteria provided, multiple submitters, no conflicts (2 of 4 stars). 5 submissions from 5 submitters: Uncertain significance (4). 1 of the submissions does not count toward it. Last evaluated 2023-11-21.

Conditions:
Hereditary cancer-predisposing syndrome. Also called: Tumor predisposition; Hereditary Cancer Syndrome; Hereditary neoplastic syndrome; Neoplastic Syndromes, Hereditary. Identifiers: Orphanet 140162, MedGen C0027672, MeSH D009386, MONDO:0015356.
Microcephaly, normal intelligence and immunodeficiency (NBS). Also called: IMMUNODEFICIENCY, MICROCEPHALY, AND CHROMOSOMAL INSTABILITY; SEEMANOVA SYNDROME II; Nijmegen breakage syndrome; Microcephaly with normal intelligence immunodeficiency and lymphoreticular malignancies; Nonsyndromal microcephaly autosomal recessive with normal intelligence; Seemanova syndrome 2. Identifiers: Orphanet 647, MedGen C0398791, MONDO:0009623, OMIM 251260.

Allele frequency attached by ClinVar (database versions not stated): gnomAD 0.00001; TOPMed 0.00001.
gnomAD v4.1: 5 of 1,612,074 alleles (0.00031%); highest among the groups gnomAD compares: Non-Finnish European, 0.00034%; no homozygotes.

Submissions (5):

Ambry Genetics
Classification: Uncertain significance for Hereditary cancer-predisposing syndrome. Last evaluated: 2023-11-21. Review status: criteria provided, single submitter. Criteria: Ambry Variant Classification Scheme 2023. Collection method: clinical testing. Allele origin: germline.
Comment: The p.A313S variant (also known as c.937G>T), located in coding exon 8 of the NBN gene, results from a G to T substitution at nucleotide position 937. The alanine at codon 313 is replaced by serine, an amino acid with similar properties. This variant was not reported in population based cohorts in the following databases: Database of Single Nucleotide Polymorphisms (dbSNP), NHLBI Exome Sequencing Project (ESP), and 1000 Genomes Project. In the ESP, this variant was not observed in 6503 samples (13006 alleles) with coverage at this position. To date, this alteration has been detected with an allele frequency of approximately 0.001% (greater than 175000 alleles tested) in our clinical cohort. This amino acid position is highly conserved in available vertebrate species. In addition, this alteration is predicted to be deleterious by in silico analysis. Since supporting evidence is limited at this time, the clinical significance of p.A313S remains unclear.

Labcorp Genetics (formerly Invitae), Labcorp
Classification: Uncertain significance for Microcephaly, normal intelligence and immunodeficiency. Last evaluated: 2022-05-01. Review status: criteria provided, single submitter. Criteria: Invitae Variant Classification Sherloc (09022015). Collection method: clinical testing. Allele origin: germline.
Comment: ClinVar contains an entry for this variant (Variation ID: 233705). This variant has not been reported in the literature in individuals affected with NBN-related conditions. This variant is not present in population databases (gnomAD no frequency). This sequence change replaces alanine, which is neutral and non-polar, with serine, which is neutral and polar, at codon 313 of the NBN protein (p.Ala313Ser). Algorithms developed to predict the effect of missense changes on protein structure and function are either unavailable or do not agree on the potential impact of this missense change (SIFT: "Tolerated"; PolyPhen-2: "Probably Damaging"; Align-GVGD: "Class C0"). In summary, the available evidence is currently insufficient to determine the role of this variant in disease. Therefore, it has been classified as a Variant of Uncertain Significance.

Sema4
Classification: Uncertain significance for Hereditary cancer-predisposing syndrome. Last evaluated: 2022-02-22. Review status: criteria provided, single submitter. Criteria: Sema4 Curation Guidelines. Collection method: curation. Allele origin: germline.
Comment: The NBN c.937G>T (p.A313S) variant has been reported in an individual with breast cancer (PMID: 33471991). It was not observed in the large and broad cohorts of the Genome Aggregation Database (PMID: 32461654). The variant has been reported in ClinVar (Variation ID: 233705). Functional studies have not been performed, and in silico predictions of the variant's effect on protein function are inconclusive. The evidence is insufficient to meet ACMG/AMP criteria for classifying the variant as benign or pathogenic. Thus, the clinical significance of this variant is currently uncertain.

Genome-Nilou Lab
Classification: Uncertain significance for Microcephaly, normal intelligence and immunodeficiency. Last evaluated: 2021-11-07. Review status: criteria provided, single submitter. Criteria: ACMG Guidelines, 2015. Collection method: clinical testing. Allele origin: germline. Affected: no.

Natera, Inc.
Classification: Uncertain significance for Nijmegen breakage syndrome. Last evaluated: 2021-03-02. Review status: no assertion criteria provided. Collection method: clinical testing. Allele origin: germline. Not counted in ClinVar's aggregate classification.

Literature cited by the submitters: PubMed 33471991 (cited by Sema4).

NM_002485.5(NBN):c.937G>T (p.Ala313Ser)

Gene: NBN (nibrin; minus strand). Cytogenetic location: 8q21.3.
Variant type: single nucleotide variant.
Coding change: c.937G>T on transcript NM_002485.5 (MANE Select); coding-DNA position 937, G replaced by T.
Protein change: p.Ala313Ser; replaces alanine 313 with serine.
Molecular consequence: missense variant.
Genome position (GRCh38, 1-based): chr8:89,964,467, C>A on the plus strand (G>T on the coding strand, the complement: NBN is on the minus strand). VCF-style: chr8-89964467-C-A. GRCh37 (hg19) VCF-style: chr8-90976695-C-A.
Other names: c.691G>T, p.Ala231Ser (NM_001024688.3); short protein forms A313S, A231S.
Identifiers: ClinVar variation 233705 (VCV000233705.22), dbSNP rs876660584, ClinGen allele CA10578783.